The following is an entry in ClinVar:

NM_018341.3(ERMARD):c.9A>C (p.Val3=)

Gene: ERMARD (ER membrane associated RNA degradation; plus strand). Cytogenetic location: 6q27.
Variant type: single nucleotide variant.
Coding change: c.9A>C on transcript NM_018341.3 (MANE Select); coding-DNA position 9, A replaced by C.
Protein change: p.Val3=; no amino-acid change (valine 3 retained).
Molecular consequence: synonymous variant. On other transcripts: intron variant (1).
Genome position (GRCh38, 1-based): chr6:169,753,866, A>C. VCF-style: chr6-169753866-A-C. GRCh37 (hg19) VCF-style: chr6-170153962-A-C.
Other names: c.9A>C, p.Val3= (NM_001278531.2, NM_001278533.2); c.-203-1417A>C (NM_001278532.2).
Identifiers: ClinVar variation 384836 (VCV000384836.9), dbSNP rs61736820, ClinGen allele CA4105708.

ClinVar aggregate classification (germline): Benign. Review status: criteria provided, multiple submitters, no conflicts (2 of 4 stars). 2 submissions from 2 submitters: Benign (2). Last evaluated 2026-01-19.

Allele frequency attached by ClinVar (database versions not stated): 1000 Genomes Project 0.01318; ExAC 0.01339; gnomAD 0.01381 and 0.01485; TOPMed 0.01619; ESP Exome Variant Server 0.01704.
gnomAD v4.1: 4,086 of 1,552,726 alleles (0.26%); highest among the groups gnomAD compares: African/African-American, 4.8%; 93 homozygotes.

Submissions (2):

Labcorp Genetics (formerly Invitae), Labcorp
Classification: Benign. Last evaluated: 2026-01-19. Review status: criteria provided, single submitter. Criteria: Invitae Variant Classification Sherloc (09022015). Collection method: clinical testing. Allele origin: germline.

GeneDx
Classification: Benign. Last evaluated: 2016-06-16. Review status: criteria provided, single submitter. Criteria: GeneDx Variant Classification (06012015). Collection method: clinical testing. Allele origin: germline. Affected: yes.
Comment: This variant is considered likely benign or benign based on one or more of the following criteria: it is a conservative change, it occurs at a poorly conserved position in the protein, it is predicted to be benign by multiple in silico algorithms, and/or has population frequency not consistent with disease.